The following is an entry in ClinVar:

NM_002336.3(LRP6):c.1577T>C (p.Val526Ala)

Gene: LRP6 (LDL receptor related protein 6; minus strand). Cytogenetic location: 12p13.2.
Variant type: single nucleotide variant.
Coding change: c.1577T>C on transcript NM_002336.3 (MANE Select); coding-DNA position 1577, T replaced by C.
Protein change: p.Val526Ala; replaces valine 526 with alanine.
Molecular consequence: missense variant. On other transcripts: non-coding transcript variant (1), intron variant (1).
Genome position (GRCh38, 1-based): chr12:12,165,264, A>G on the plus strand (T>C on the coding strand, the complement: LRP6 is on the minus strand). VCF-style: chr12-12165264-A-G. GRCh37 (hg19) VCF-style: chr12-12318198-A-G.
Other names: c.1577T>C, p.Val526Ala (NM_001414244.1, NM_001414245.1, NM_001414246.1 and 4 more transcripts); c.1379T>C, p.Val460Ala (NM_001414247.1); c.1124T>C, p.Val375Ala (NM_001414252.1, NM_001414253.1, NM_001414254.1); c.1546-2845T>C (NM_001414255.1); short protein forms V375A, V460A, V526A.
Identifiers: ClinVar variation 4707379 (VCV004707379.1).

ClinVar aggregate classification (germline): Uncertain significance (1 of 4 stars; one submission).

gnomAD v4.1: 6 of 1,613,706 alleles (0.00037%); highest among the groups gnomAD compares: African/African-American, 0.0067%; no homozygotes.

Submission:

Labcorp Genetics (formerly Invitae), Labcorp
Classification: Uncertain significance. Last evaluated: 2025-04-05. Review status: criteria provided, single submitter. Criteria: Invitae Variant Classification Sherloc (09022015). Collection method: clinical testing. Allele origin: germline.
Comment: This sequence change replaces valine, which is neutral and non-polar, with alanine, which is neutral and non-polar, at codon 526 of the LRP6 protein (p.Val526Ala). This variant is present in population databases (rs149789798, gnomAD 0.007%). This variant has not been reported in the literature in individuals affected with LRP6-related conditions. Invitae Evidence Modeling of protein sequence and biophysical properties (such as structural, functional, and spatial information, amino acid conservation, physicochemical variation, residue mobility, and thermodynamic stability) indicates that this missense variant is not expected to disrupt LRP6 protein function with a negative predictive value of 80%. In summary, the available evidence is currently insufficient to determine the role of this variant in disease. Therefore, it has been classified as a Variant of Uncertain Significance.